The following is an entry in ClinVar:

ClinVar aggregate classification (germline): Likely benign. Review status: criteria provided, multiple submitters, no conflicts (2 of 4 stars). 2 submissions from 2 submitters: Likely benign (2). Last evaluated 2026-01-24.

Conditions:
PPM1F-related condition.

Allele frequency attached by ClinVar (database versions not stated): gnomAD exomes 0.00002; gnomAD 0.00007; TOPMed 0.00012.

Submissions (2):

Labcorp Genetics (formerly Invitae), Labcorp
Classification: Likely benign. Last evaluated: 2026-01-24. Review status: criteria provided, single submitter. Criteria: Invitae Variant Classification Sherloc (09022015). Collection method: clinical testing. Allele origin: germline.

PreventionGenetics, part of Exact Sciences
Classification: Likely benign for PPM1F-related condition. Last evaluated: 2025-12-08. Review status: criteria provided, single submitter. Criteria: ACMG Guidelines, 2015. Collection method: clinical testing. Allele origin: germline.
Comment: This variant is classified as likely benign based on ACMG/AMP sequence variant interpretation guidelines (Richards et al. 2015 PMID: 25741868, with internal and published modifications).

NM_014634.4(PPM1F):c.549C>T (p.Phe183=)

Gene: PPM1F (protein phosphatase, Mg2+/Mn2+ dependent 1F; minus strand). Cytogenetic location: 22q11.22.
Variant type: single nucleotide variant.
Coding change: c.549C>T on transcript NM_014634.4 (MANE Select); coding-DNA position 549, C replaced by T.
Protein change: p.Phe183=; no amino-acid change (phenylalanine 183 retained).
Molecular consequence: synonymous variant.
Genome position (GRCh38, 1-based): chr22:21,934,033, G>A on the plus strand (C>T on the coding strand, the complement: PPM1F is on the minus strand). VCF-style: chr22-21934033-G-A. GRCh37 (hg19) VCF-style: chr22-22288405-G-A.
Other names: c.549C>T (NM_014634.3); c.45C>T, p.Phe15= (NM_001410836.1).
Identifiers: ClinVar variation 2702693 (VCV002702693.4), dbSNP rs61752250, ClinGen allele CA322338834.
Genomic context (GRCh38, chr22:21,934,033, plus strand): 5'-CTCGCCCCGGTCCTCCGAAGCTGTCCCCAGGGTCTGGACGGGAGCACTCACAGACAAGCC[G>A]AAGAGCTGGTTGAAGGAAGGGAGGGACACGTGCCGGTCCTCCATCTTGCGGCGAGTGTTC-3'
Protein context (NP_055449.1, residues 173-193): HVSLPSFNQL[Phe183=]GLSDPVNRAY